The following is an entry in ClinVar:

NM_002234.4(KCNA5):c.471C>G (p.Asp157Glu)

Gene: KCNA5 (potassium voltage-gated channel subfamily A member 5; plus strand). Cytogenetic location: 12p13.32.
Variant type: single nucleotide variant.
Coding change: c.471C>G on transcript NM_002234.4 (MANE Select); coding-DNA position 471, C replaced by G.
Protein change: p.Asp157Glu; replaces aspartic acid 157 with glutamic acid.
Molecular consequence: missense variant.
Genome position (GRCh38, 1-based): chr12:5,044,618, C>G. VCF-style: chr12-5044618-C-G. GRCh37 (hg19) VCF-style: chr12-5153784-C-G.
Other names: short protein forms D157E.
Identifiers: ClinVar variation 1004369 (VCV001004369.8), dbSNP rs200395850, ClinGen allele CA383464495.

ClinVar aggregate classification (germline): Uncertain significance (1 of 4 stars; one submission).

Conditions:
Atrial fibrillation, familial, 7 (ATFB7). Identifiers: MedGen C2677106, MONDO:0012828, OMIM 612240.

Submission:

Labcorp Genetics (formerly Invitae), Labcorp
Classification: Uncertain significance for Atrial fibrillation, familial, 7. Last evaluated: 2020-08-31. Review status: criteria provided, single submitter. Criteria: Invitae Variant Classification Sherloc (09022015). Collection method: clinical testing. Allele origin: germline.
Comment: In summary, the available evidence is currently insufficient to determine the role of this variant in disease. Therefore, it has been classified as a Variant of Uncertain Significance. Algorithms developed to predict the effect of missense changes on protein structure and function are either unavailable or do not agree on the potential impact of this missense change (SIFT: "Deleterious"; PolyPhen-2: "Probably Damaging"; Align-GVGD: "Class C0"). This variant has not been reported in the literature in individuals with KCNA5-related conditions. This variant is not present in population databases (ExAC no frequency). This sequence change replaces aspartic acid with glutamic acid at codon 157 of the KCNA5 protein (p.Asp157Glu). The aspartic acid residue is highly conserved and there is a small physicochemical difference between aspartic acid and glutamic acid.